The following is an entry in ClinVar:

NM_001283009.2(RTEL1):c.2908C>T (p.Gln970Ter)

Genes: RTEL1 (regulator of telomere elongation helicase 1; plus strand), RTEL1-TNFRSF6B (RTEL1-TNFRSF6B readthrough (NMD candidate); plus strand). Cytogenetic location: 20q13.33.
Variant type: single nucleotide variant.
Coding change: c.2908C>T on transcript NM_001283009.2 (MANE Select); coding-DNA position 2908, C replaced by T.
Protein change: p.Gln970Ter; replaces glutamine 970 with a stop codon.
Molecular consequence: nonsense. On other transcripts: non-coding transcript variant (1).
Genome position (GRCh38, 1-based): chr20:63,693,199, C>T. VCF-style: chr20-63693199-C-T. GRCh37 (hg19) VCF-style: chr20-62324552-C-T.
Other names: c.2239C>T, p.Gln747Ter (NM_001283010.1); c.2908C>T, p.Gln970Ter (NM_016434.4); c.2980C>T, p.Gln994Ter (NM_032957.5); short protein forms Q747*, Q970*, Q994*.
Identifiers: ClinVar variation 2662999 (VCV002662999.1), dbSNP rs1182423172, ClinGen allele CA409683290.

ClinVar aggregate classification (germline): Likely pathogenic (1 of 4 stars; one submission).

Allele frequency attached by ClinVar (database versions not stated): gnomAD exomes below 0.00001.
gnomAD v4.1: 2 of 1,612,150 alleles (0.00012%); highest among the groups gnomAD compares: Non-Finnish European, 0.00017%; no homozygotes.

Submission:

GeneDx
Classification: Likely pathogenic. Last evaluated: 2023-11-08. Review status: criteria provided, single submitter. Criteria: GeneDx Variant Classification Process June 2021. Collection method: clinical testing. Allele origin: germline. Affected: yes.
Comment: Nonsense variant predicted to result in protein truncation or nonsense mediated decay in a gene for which loss-of-function is a known mechanism of disease; Not observed at significant frequency in large population cohorts (gnomAD); Has not been previously published as pathogenic or benign to our knowledge